The following is an entry in ClinVar:

NM_000245.4(MET):c.1702-15A>G

Gene: MET (MET proto-oncogene, receptor tyrosine kinase; plus strand). Cytogenetic location: 7q31.2.
Variant type: single nucleotide variant.
Coding change: c.1702-15A>G on transcript NM_000245.4 (MANE Select); 15 bases into the intron before coding-DNA position 1702, A replaced by G.
Molecular consequence: intron variant.
Genome position (GRCh38, 1-based): chr7:116,755,340, A>G. VCF-style: chr7-116755340-A-G. GRCh37 (hg19) VCF-style: chr7-116395394-A-G.
Other names: c.1702-15A>G (NM_001127500.3, NM_001324401.3); c.412-15A>G (NM_001324402.2).
Identifiers: ClinVar variation 2192152 (VCV002192152.5), dbSNP rs200635057, ClinGen allele CA164891527.

ClinVar aggregate classification (germline): Likely benign. Review status: criteria provided, multiple submitters, no conflicts (2 of 4 stars). 2 submissions from 2 submitters: Likely benign (2). Last evaluated 2025-09-03.

Conditions:
Renal cell carcinoma. Identifiers: Orphanet 217071, MedGen C0007134, MeSH D002292, MONDO:0005086, HP:0005584.
Papillary renal cell carcinoma type 1 (RCCP1). Also called: RENAL CELL CARCINOMA, PAPILLARY, 1, SOMATIC; Renal adenocarcinoma; Renal cell carcinoma 1; Renal cell carcinoma, somatic. Identifiers: Orphanet 47044, MedGen C1336839, OMIM 605074, HP:0011797.

Allele frequency attached by ClinVar (database versions not stated): gnomAD 0.00001.
gnomAD v4.1: 5 of 1,613,636 alleles (0.00031%); highest among the groups gnomAD compares: African/African-American, 0.0027%; no homozygotes.

Submissions (2):

Labcorp Genetics (formerly Invitae), Labcorp
Classification: Likely benign for Renal cell carcinoma. Last evaluated: 2025-09-03. Review status: criteria provided, single submitter. Criteria: Invitae Variant Classification Sherloc (09022015). Collection method: clinical testing. Allele origin: germline.

Myriad Genetics, Inc.
Classification: Likely benign for Papillary renal cell carcinoma type 1. Last evaluated: 2024-11-07. Review status: criteria provided, single submitter. Criteria: Myriad Autosomal Dominant, Autosomal Recessive and X-Linked Classification Criteria (2023). Collection method: clinical testing. Allele origin: unknown.
Comment: This variant is considered likely benign. This variant is intronic and is not expected to impact mRNA splicing.